The following is an entry in ClinVar:

ClinVar aggregate classification (germline): Uncertain significance. Review status: criteria provided, multiple submitters, no conflicts (2 of 4 stars). 2 submissions from 2 submitters: Uncertain significance (2). Last evaluated 2025-08-01.

Conditions:
POLD1-related polyposis and colorectal cancer syndrome (CRCS10). Also called: Colorectal cancer, susceptibility to, 10; Colorectal cancer 10; COLORECTAL CANCER, SUSCEPTIBILITY TO, ON CHROMOSOME 19q. Identifiers: Orphanet 220460, MedGen C2675481, MONDO:0012953, OMIM 612591.
Hereditary cancer-predisposing syndrome. Also called: Hereditary Cancer Syndrome; Hereditary neoplastic syndrome; Neoplastic Syndromes, Hereditary; Tumor predisposition. Identifiers: Orphanet 140162, MedGen C0027672, MeSH D009386, MONDO:0015356.

Allele frequency attached by ClinVar (database versions not stated): gnomAD exomes below 0.00001 and 0.00001; ExAC 0.00001.
gnomAD v4.1: 4 of 1,614,024 alleles (0.00025%); highest among the groups gnomAD compares: South Asian, 0.0044%; no homozygotes.

Submissions (2):

Ambry Genetics
Classification: Uncertain significance for Hereditary cancer-predisposing syndrome. Last evaluated: 2025-08-01. Review status: criteria provided, single submitter. Criteria: Ambry Variant Classification Scheme 2023. Collection method: clinical testing. Allele origin: germline.
Comment: The p.Q440H variant (also known as c.1320G>C), located in coding exon 10 of the POLD1 gene, results from a G to C substitution at nucleotide position 1320. The glutamine at codon 440 is replaced by histidine, an amino acid with highly similar properties. This amino acid position is highly conserved in available vertebrate species. In addition, this alteration is predicted to be tolerated by in silico analysis. Since supporting evidence is limited at this time, the clinical significance of this alteration remains unclear.

Labcorp Genetics (formerly Invitae), Labcorp
Classification: Uncertain significance for POLD1-related polyposis and colorectal cancer syndrome. Last evaluated: 2024-10-30. Review status: criteria provided, single submitter. Criteria: Invitae Variant Classification Sherloc (09022015). Collection method: clinical testing. Allele origin: germline.
Comment: This sequence change replaces glutamine, which is neutral and polar, with histidine, which is basic and polar, at codon 440 of the POLD1 protein (p.Gln440His). This variant is present in population databases (rs780771892, gnomAD 0.006%). This variant has not been reported in the literature in individuals affected with POLD1-related conditions. ClinVar contains an entry for this variant (Variation ID: 818913). Invitae Evidence Modeling of protein sequence and biophysical properties (such as structural, functional, and spatial information, amino acid conservation, physicochemical variation, residue mobility, and thermodynamic stability) indicates that this missense variant is expected to disrupt POLD1 protein function with a positive predictive value of 80%. In summary, the available evidence is currently insufficient to determine the role of this variant in disease. Therefore, it has been classified as a Variant of Uncertain Significance.

NM_002691.4(POLD1):c.1320G>C (p.Gln440His)

Gene: POLD1 (DNA polymerase delta 1, catalytic subunit; plus strand). Cytogenetic location: 19q13.33.
Variant type: single nucleotide variant.
Coding change: c.1320G>C on transcript NM_002691.4 (MANE Select); coding-DNA position 1320, G replaced by C.
Protein change: p.Gln440His; replaces glutamine 440 with histidine.
Molecular consequence: missense variant. On other transcripts: non-coding transcript variant (1).
Genome position (GRCh38, 1-based): chr19:50,406,259, G>C. VCF-style: chr19-50406259-G-C. GRCh37 (hg19) VCF-style: chr19-50909516-G-C.
Other names: c.1320G>C, p.Gln440His (NM_001256849.1, NM_001308632.1); short protein forms Q440H.
Identifiers: ClinVar variation 818913 (VCV000818913.15), dbSNP rs780771892, ClinGen allele CA9596105.